The following is an entry in ClinVar:

ClinVar aggregate classification (germline): Likely benign (1 of 4 stars; one submission).

Allele frequency attached by ClinVar (database versions not stated): 1000 Genomes Project 0.00040; 1000 Genomes Project 30x 0.00047; ExAC 0.00066.
gnomAD v4.1: 2,552 of 1,479,002 alleles (0.17%); highest among the groups gnomAD compares: Non-Finnish European, 0.21%; 8 homozygotes.

Submission:

CeGaT Center for Human Genetics Tuebingen
Classification: Likely benign. Last evaluated: 2025-09-01. Review status: criteria provided, single submitter. Criteria: CeGaT Center For Human Genetics Tuebingen Variant Classification Criteria Version 2. Collection method: clinical testing. Allele origin: germline. Affected: yes. Observed: 3 variant alleles.
Comment: FBRSL1: BP4, BP7

NM_001367871.1(FBRSL1):c.876C>T (p.Pro292=)

Gene: FBRSL1 (fibrosin like 1; plus strand). Cytogenetic location: 12q24.33.
Variant type: single nucleotide variant.
Coding change: c.876C>T on transcript NM_001367871.1 (MANE Select); coding-DNA position 876, C replaced by T.
Protein change: p.Pro292=; no amino-acid change (proline 292 retained).
Molecular consequence: synonymous variant.
Genome position (GRCh38, 1-based): chr12:132,570,110, C>T. VCF-style: chr12-132570110-C-T. GRCh37 (hg19) VCF-style: chr12-133146696-C-T.
Other names: c.876C>T, p.Pro292= (NM_001142641.2, NM_001382739.1, NM_001382740.1).
Identifiers: ClinVar variation 2643646 (VCV002643646.24), dbSNP rs566934494, ClinGen allele CA6890887.
Genomic context (GRCh38, chr12:132,570,110, plus strand): 5'-GCCCTGCCCGGGGCCCCCGCCCGGCTCCCGCGCCAATCCCTTGGTGAAGAAGGAACCCCC[C>T]GCCCCGCACCGCCACACCCCGCAGCCGCCACCCCCGCAGCCCCGCGGCCTGCTCCCGACA-3'
Protein context (NP_001354800.1, residues 282-302): RANPLVKKEP[Pro292=]APHRHTPQPP